The following is an entry in ClinVar:

NM_001267550.2(TTN):c.101291C>T (p.Ala33764Val)

Genes: TTN (titin; minus strand), TTN-AS1 (TTN antisense RNA 1; plus strand). Cytogenetic location: 2q31.2.
Variant type: single nucleotide variant.
Coding change: c.101291C>T on transcript NM_001267550.2 (MANE Select); coding-DNA position 101291, C replaced by T.
Protein change: p.Ala33764Val; replaces alanine 33764 with valine.
Molecular consequence: missense variant.
Genome position (GRCh38, 1-based): chr2:178,535,324, G>A on the plus strand (C>T on the coding strand, the complement: TTN is on the minus strand). VCF-style: chr2-178535324-G-A. GRCh37 (hg19) VCF-style: chr2-179400051-G-A.
Other names: c.96368C>T, p.Ala32123Val (NM_001256850.1); c.74096C>T, p.Ala24699Val (NM_003319.4); c.93587C>T, p.Ala31196Val (NM_133378.4); c.74471C>T, p.Ala24824Val (NM_133432.3); c.74672C>T, p.Ala24891Val (NM_133437.4); short protein forms A31196V, A33764V, A32123V, A24891V, A24699V, A24824V.
Identifiers: ClinVar variation 332700 (VCV000332700.19), dbSNP rs773542514, ClinGen allele CA1985903.

ClinVar aggregate classification (germline): Conflicting classifications of pathogenicity. Review status: criteria provided, conflicting classifications (1 of 4 stars). 14 submissions from 10 submitters: Uncertain significance (9); Benign (1); Likely benign (4). Last evaluated 2026-04-17.

Conditions:
Cardiovascular phenotype. Identifiers: MedGen CN230736.
Early-onset myopathy with fatal cardiomyopathy (CMYO5). Also called: Salih Myopathy; CONGENITAL MYOPATHY 5 WITH CARDIOMYOPATHY. Identifiers: Orphanet 289377, MedGen C2673677, MONDO:0012714, OMIM 611705. Disease mechanism: loss of function.
Tibial muscular dystrophy (TMD). Also called: UDD MYOPATHY; Tibial muscular dystrophy, tardive; Udd Distal Myopathy – Tibial Muscular Dystrophy. Identifiers: Orphanet 609, MedGen C1838244, MONDO:0010870, OMIM 600334.
Autosomal recessive limb-girdle muscular dystrophy type 2J (LGMDR10). Also called: Limb-girdle muscular dystrophy, type 2J; MUSCULAR DYSTROPHY, LIMB-GIRDLE, AUTOSOMAL RECESSIVE 10. Identifiers: Orphanet 140922, MedGen C1837342, MONDO:0012127, OMIM 608807.
TTN-related disorder. Also called: TTN-related disorders; TTN-related condition; TTN-related disease.
Cardiomyopathy (CMYO). Also called: Cardiomyopathies. Identifiers: Orphanet 167848, MedGen C0878544, MONDO:0004994, HP:0001638. Inheritance: Various modes of inheritance.
Myopathy, myofibrillar, 9, with early respiratory failure (MFM9). Also called: MYOPATHY, PROXIMAL, WITH EARLY RESPIRATORY MUSCLE INVOLVEMENT; Hereditary myopathy with early respiratory failure; Myopathy, distal, with early respiratory failure, autosomal dominant; EDSTROM MYOPATHY. Identifiers: Orphanet 178464, Orphanet 34521, MedGen C1863599, MONDO:0011362, OMIM 603689.
Dilated cardiomyopathy 1G (CMD1G). Identifiers: Orphanet 154, MedGen C1858763, MONDO:0011400, OMIM 604145.

Allele frequency attached by ClinVar (database versions not stated): TOPMed 0.00005.
gnomAD v4.1: 159 of 1,613,720 alleles (0.0099%); highest among the groups gnomAD compares: Non-Finnish European, 0.013%; no homozygotes.

Submissions (14):

Women's Health and Genetics/Laboratory Corporation of America, LabCorp
Classification: Uncertain significance. Last evaluated: 2026-04-17. Review status: criteria provided, single submitter. Criteria: LabCorp Variant Classification Summary - May 2015. Collection method: clinical testing. Allele origin: germline.

PreventionGenetics, part of Exact Sciences
Classification: Uncertain significance for TTN-related condition. Last evaluated: 2025-05-06. Review status: criteria provided, single submitter. Criteria: ACMG Guidelines, 2015. Collection method: clinical testing. Allele origin: germline.
Comment: The TTN c.101291C>T variant is predicted to result in the amino acid substitution p.Ala33764Val. To our knowledge, this variant has not been reported in the literature. This variant is reported in 0.0094% of alleles in individuals of European (Non-Finnish) descent in gnomAD. Although we suspect that this variant may be benign, at this time, the clinical significance of this variant is uncertain due to the absence of conclusive functional and genetic evidence.

Revvity Omics, Revvity
Classification: Uncertain significance. Last evaluated: 2024-04-02. Review status: criteria provided, single submitter. Criteria: ACMG Guidelines, 2015. Collection method: clinical testing. Allele origin: germline.

Ambry Genetics
Classification: Likely benign for Cardiovascular phenotype. Last evaluated: 2020-08-18. Review status: criteria provided, single submitter. Criteria: Ambry Variant Classification Scheme 2023. Collection method: clinical testing. Allele origin: germline.

Athena Diagnostics
Classification: Uncertain significance. Last evaluated: 2020-04-15. Review status: criteria provided, single submitter. Criteria: Athena Diagnostics Criteria. Collection method: clinical testing. Allele origin: unknown.

CHEO Genetics Diagnostic Laboratory, Children's Hospital of Eastern Ontario
Classification: Uncertain significance for Cardiomyopathy. Last evaluated: 2019-08-12. Review status: criteria provided, single submitter. Criteria: ACMG Guidelines, 2015. Collection method: clinical testing. Allele origin: germline.

Blueprint Genetics
Classification: Likely benign. Last evaluated: 2019-05-10. Review status: criteria provided, single submitter. Criteria: ACMG Guidelines, 2015. Collection method: clinical testing. Allele origin: germline.

GeneDx
Classification: Likely benign. Last evaluated: 2019-04-16. Review status: criteria provided, single submitter. Criteria: GeneDx Variant Classification Process June 2021. Collection method: clinical testing. Allele origin: germline. Affected: yes.
Comment: Has not been previously published as pathogenic or benign to our knowledge

Illumina Laboratory Services, Illumina
Classification: Uncertain significance for Early-onset myopathy with fatal cardiomyopathy. Last evaluated: 2018-01-12. Review status: criteria provided, single submitter. Criteria: ICSL Variant Classification Criteria 13 December 2019. Collection method: clinical testing. Allele origin: germline.

Illumina Laboratory Services, Illumina
Classification: Benign for Tibial muscular dystrophy. Last evaluated: 2018-01-12. Review status: criteria provided, single submitter. Criteria: ICSL Variant Classification Criteria 13 December 2019. Collection method: clinical testing. Allele origin: germline.
Comment: This variant was observed in the ICSL laboratory as part of a predisposition screen in an ostensibly healthy population. It had not been previously curated by ICSL or reported in the Human Gene Mutation Database (HGMD: prior to June 1st, 2018), and was therefore a candidate for classification through an automated scoring system. Utilizing variant allele frequency, disease prevalence and penetrance estimates, and inheritance mode, an automated score was calculated to assess if this variant is too frequent to cause the disease. Based on the score and internal cut-off values, a variant classified as benign is not then subjected to further curation. The score for this variant resulted in a classification of benign for this disease.

Illumina Laboratory Services, Illumina
Classification: Uncertain significance for Dilated cardiomyopathy 1G. Last evaluated: 2018-01-12. Review status: criteria provided, single submitter. Criteria: ICSL Variant Classification Criteria 13 December 2019. Collection method: clinical testing. Allele origin: germline.

Illumina Laboratory Services, Illumina
Classification: Likely benign for Myopathy, myofibrillar, 9, with early respiratory failure. Last evaluated: 2018-01-12. Review status: criteria provided, single submitter. Criteria: ICSL Variant Classification Criteria 13 December 2019. Collection method: clinical testing. Allele origin: germline.
Comment: This variant was observed in the ICSL laboratory as part of a predisposition screen in an ostensibly healthy population. It had not been previously curated by ICSL or reported in the Human Gene Mutation Database (HGMD: prior to June 1st, 2018), and was therefore a candidate for classification through an automated scoring system. Utilizing variant allele frequency, disease prevalence and penetrance estimates, and inheritance mode, an automated score was calculated to assess if this variant is too frequent to cause the disease. Based on the score and internal cut-off values, a variant classified as likely benign is not then subjected to further curation. The score for this variant resulted in a classification of likely benign for this disease.

Illumina Laboratory Services, Illumina
Classification: Uncertain significance for Autosomal recessive limb-girdle muscular dystrophy type 2J. Last evaluated: 2018-01-12. Review status: criteria provided, single submitter. Criteria: ICSL Variant Classification Criteria 13 December 2019. Collection method: clinical testing. Allele origin: germline.

Eurofins Ntd Llc (ga)
Classification: Uncertain significance. Last evaluated: 2017-12-27. Review status: criteria provided, single submitter. Criteria: EGL Classification Definitions 2015. Collection method: clinical testing. Allele origin: germline. Observed: 2 variant alleles, 2 heterozygotes.